The following is an entry in ClinVar:

ClinVar aggregate classification (germline): not provided (0 of 4 stars; one submission).

Submission:

ITMI
No classification provided. Condition: AllHighlyPenetrant. Last evaluated: 2013-09-19. Review status: no classification provided. Collection method: reference population. Allele origin: germline.
Comment: Please see associated publication for description of ethnicities

Literature cited by the submitters: PubMed 24728327.

NM_002468.5(MYD88):c.38C>A (p.Pro13Gln)

Gene: MYD88 (MYD88 innate immune signal transduction adaptor; plus strand). Cytogenetic location: 3p22.2.
Variant type: single nucleotide variant.
Coding change: c.38C>A on transcript NM_002468.5 (MANE Select); coding-DNA position 38, C replaced by A.
Protein change: p.Pro13Gln; replaces proline 13 with glutamine.
Molecular consequence: missense variant.
Genome position (GRCh38, 1-based): chr3:38,138,738, C>A. VCF-style: chr3-38138738-C-A. GRCh37 (hg19) VCF-style: chr3-38180229-C-A.
Other names: c.38C>A, p.Pro13Gln (NM_001172566.2, NM_001172567.2, NM_001172568.2 and 3 more transcripts); short protein forms P13Q.
Identifiers: ClinVar variation 134870 (VCV000134870.1), dbSNP rs587778545, ClinGen allele CA160957.